The following is an entry in ClinVar:

NM_001083116.3(PRF1):c.1528T>C (p.Cys510Arg)

Gene: PRF1 (perforin 1; minus strand). Cytogenetic location: 10q22.1.
Variant type: single nucleotide variant.
Coding change: c.1528T>C on transcript NM_001083116.3 (MANE Select); coding-DNA position 1528, T replaced by C.
Protein change: p.Cys510Arg; replaces cysteine 510 with arginine.
Molecular consequence: missense variant.
Genome position (GRCh38, 1-based): chr10:70,598,193, A>G on the plus strand (T>C on the coding strand, the complement: PRF1 is on the minus strand). VCF-style: chr10-70598193-A-G. GRCh37 (hg19) VCF-style: chr10-72357949-A-G.
Other names: c.1528T>C, p.Cys510Arg (NM_005041.6); c.1528T>C (NM_005041.5); short protein forms C510R.
Identifiers: ClinVar variation 1029053 (VCV001029053.2), dbSNP rs1848154937, ClinGen allele CA376955228.

ClinVar aggregate classification (germline): Uncertain significance. Review status: criteria provided, multiple submitters, no conflicts (2 of 4 stars). 2 submissions from 2 submitters: Uncertain significance (2). Last evaluated 2025-09-10.

Conditions:
Familial hemophagocytic lymphohistiocytosis 2 (FHL2). Also called: PRF1-Related Familial Hemophagocytic Lymphohistiocytosis (PRF1-fHLH). Identifiers: Orphanet 540, MedGen C1863727, MONDO:0011337, OMIM 603553.

Allele frequency attached by ClinVar (database versions not stated): gnomAD exomes below 0.00001.
gnomAD v4.1: 4 of 1,614,138 alleles (0.00025%); highest among the groups gnomAD compares: South Asian, 0.0033%; no homozygotes.

Submissions (2):

Genomic Medicine Center of Excellence, King Faisal Specialist Hospital and Research Centre
Classification: Uncertain significance for Familial hemophagocytic lymphohistiocytosis 2. Last evaluated: 2025-09-10. Review status: criteria provided, single submitter. Criteria: ACMG Guidelines, 2015. Collection method: clinical testing. Allele origin: germline.

Baylor Genetics
Classification: Uncertain significance for Familial hemophagocytic lymphohistiocytosis 2. Last evaluated: 2020-05-05. Review status: criteria provided, single submitter. Criteria: ACMG Guidelines, 2015. Collection method: clinical testing. Allele origin: unknown. Affected: yes.
Comment: This variant was determined to be of uncertain significance according to ACMG Guidelines, 2015 [PMID:25741868].